The following is an entry in ClinVar:

ClinVar aggregate classification (germline): Conflicting classifications of pathogenicity. Review status: criteria provided, conflicting classifications (1 of 4 stars). 7 submissions from 7 submitters: Uncertain significance (4); Likely benign (3). Last evaluated 2026-01-30.

Conditions:
Thyroid dyshormonogenesis 6 (TDH6). Also called: THYROID HORMONOGENESIS, GENETIC DEFECT IN, 6; Genetic transient congenital hypothyroidism; HYPOTHYROIDISM, CONGENITAL, DUE TO DYSHORMONOGENESIS, 6. Identifiers: Orphanet 226316, Orphanet 95716, MedGen C1846632, MONDO:0011792, OMIM 607200.
Inborn genetic diseases. Identifiers: MedGen C0950123, MeSH D030342.
Congenital hypothyroidism. Identifiers: Orphanet 442, MedGen C0010308, MONDO:0018612, HP:0000851.

Allele frequency attached by ClinVar (database versions not stated): ExAC 0.00077; ESP Exome Variant Server 0.00085; gnomAD 0.00086 and 0.00091; gnomAD exomes 0.00089 and 0.00154; TOPMed 0.00111; 1000 Genomes Project 0.00120; 1000 Genomes Project 30x 0.00125.
gnomAD v4.1: 2,380 of 1,614,102 alleles (0.15%); highest among the groups gnomAD compares: Admixed American, 0.18%; 5 homozygotes.

Submissions (7):

Labcorp Genetics (formerly Invitae), Labcorp
Classification: Likely benign. Last evaluated: 2026-01-30. Review status: criteria provided, single submitter. Criteria: Invitae Variant Classification Sherloc (09022015). Collection method: clinical testing. Allele origin: germline.

Cambridge Genomics Laboratory, East Genomic Laboratory Hub, NHS Genomic Medicine Service
Classification: Likely benign for Congenital hypothyroidism. Last evaluated: 2025-06-19. Review status: criteria provided, single submitter. Criteria: ACGS Best Practice Guidelines for Variant Classification in Rare Disease 2020. Collection method: clinical testing. Allele origin: germline. Affected: yes.
Comment: BS1_Strong,BP4

CeGaT Center for Human Genetics Tuebingen
Classification: Likely benign. Last evaluated: 2024-11-01. Review status: criteria provided, single submitter. Criteria: CeGaT Center For Human Genetics Tuebingen Variant Classification Criteria Version 2. Collection method: clinical testing. Allele origin: germline. Affected: yes. Observed: 1 variant allele.
Comment: DUOX2: BP4

Blueprint Genetics
Classification: Uncertain significance. Last evaluated: 2024-10-17. Review status: criteria provided, single submitter. Criteria: ACMG Guidelines, 2015. Collection method: clinical testing. Allele origin: germline.

Revvity Omics, Revvity
Classification: Uncertain significance for Thyroid dyshormonogenesis 6. Last evaluated: 2022-10-10. Review status: criteria provided, single submitter. Criteria: ACMG Guidelines, 2015. Collection method: clinical testing. Allele origin: germline.

Illumina Laboratory Services, Illumina
Classification: Uncertain significance for Thyroid dyshormonogenesis 6. Last evaluated: 2018-01-13. Review status: criteria provided, single submitter. Criteria: ICSL Variant Classification Criteria 13 December 2019. Collection method: clinical testing. Allele origin: germline.

Ambry Genetics
Classification: Uncertain significance for Inborn genetic diseases. Last evaluated: 2017-10-19. Review status: criteria provided, single submitter. Criteria: Ambry exome assertion method (8-5-2015). Collection method: clinical testing. Allele origin: germline. Affected: yes. Observed: 1 variant allele.

NM_001363711.2(DUOX2):c.3559G>A (p.Val1187Ile)

Gene: DUOX2 (dual oxidase 2; minus strand). Cytogenetic location: 15q21.1.
Variant type: single nucleotide variant.
Coding change: c.3559G>A on transcript NM_001363711.2 (MANE Select); coding-DNA position 3559, G replaced by A.
Protein change: p.Val1187Ile; replaces valine 1187 with isoleucine.
Molecular consequence: missense variant.
Genome position (GRCh38, 1-based): chr15:45,098,015, C>T on the plus strand (G>A on the coding strand, the complement: DUOX2 is on the minus strand). VCF-style: chr15-45098015-C-T. GRCh37 (hg19) VCF-style: chr15-45390213-C-T.
Other names: c.3559G>A, p.Val1187Ile (NM_014080.5); short protein forms V1187I.
Identifiers: ClinVar variation 522013 (VCV000522013.34), dbSNP rs138971379, ClinGen allele CA7537823.